The following is an entry in ClinVar:

NM_003680.4(YARS1):c.970A>G (p.Ile324Val)

Gene: YARS1 (tyrosyl-tRNA synthetase 1; minus strand). Cytogenetic location: 1p35.1.
Variant type: single nucleotide variant.
Coding change: c.970A>G on transcript NM_003680.4 (MANE Select); coding-DNA position 970, A replaced by G.
Protein change: p.Ile324Val; replaces isoleucine 324 with valine.
Molecular consequence: missense variant.
Genome position (GRCh38, 1-based): chr1:32,782,476, T>C on the plus strand (A>G on the coding strand, the complement: YARS1 is on the minus strand). VCF-style: chr1-32782476-T-C. GRCh37 (hg19) VCF-style: chr1-33248077-T-C.
Other names: short protein forms I324V.
Identifiers: ClinVar variation 2785127 (VCV002785127.3), dbSNP rs1319383238, ClinGen allele CA339683499.

ClinVar aggregate classification (germline): Uncertain significance (1 of 4 stars; one submission).

Conditions:
Charcot-Marie-Tooth disease dominant intermediate C (CMTDIC). Also called: CHARCOT-MARIE-TOOTH NEUROPATHY, DOMINANT INTERMEDIATE C. Identifiers: Orphanet 100045, MedGen C1842237, MONDO:0012012, OMIM 608323.

Allele frequency attached by ClinVar (database versions not stated): gnomAD exomes below 0.00001.
gnomAD v4.1: 7 of 1,614,118 alleles (0.00043%); highest among the groups gnomAD compares: South Asian, 0.0044%; no homozygotes.

Submission:

Labcorp Genetics (formerly Invitae), Labcorp
Classification: Uncertain significance for Charcot-Marie-Tooth disease dominant intermediate C. Last evaluated: 2023-12-04. Review status: criteria provided, single submitter. Criteria: Invitae Variant Classification Sherloc (09022015). Collection method: clinical testing. Allele origin: germline.
Comment: This sequence change replaces isoleucine, which is neutral and non-polar, with valine, which is neutral and non-polar, at codon 324 of the YARS protein (p.Ile324Val). This variant is present in population databases (no rsID available, gnomAD 0.003%). This variant has not been reported in the literature in individuals affected with YARS-related conditions. Advanced modeling of protein sequence and biophysical properties (such as structural, functional, and spatial information, amino acid conservation, physicochemical variation, residue mobility, and thermodynamic stability) performed at Invitae indicates that this missense variant is not expected to disrupt YARS protein function with a negative predictive value of 80%. In summary, the available evidence is currently insufficient to determine the role of this variant in disease. Therefore, it has been classified as a Variant of Uncertain Significance.